The following is an entry in ClinVar:

NM_001754.5(RUNX1):c.520A>C (p.Thr174Pro)

Genes: RUNX1 (RUNX family transcription factor 1; minus strand), RUNX1-AS1 (RUNX1 antisense RNA 1; plus strand). Cytogenetic location: 21q22.12.
Variant type: single nucleotide variant.
Coding change: c.520A>C on transcript NM_001754.5 (MANE Select); coding-DNA position 520, A replaced by C.
Protein change: p.Thr174Pro; replaces threonine 174 with proline.
Molecular consequence: missense variant.
Genome position (GRCh38, 1-based): chr21:34,859,567, T>G on the plus strand (A>C on the coding strand, the complement: RUNX1 is on the minus strand). VCF-style: chr21-34859567-T-G. GRCh37 (hg19) VCF-style: chr21-36231864-T-G.
Other names: NM_001754.5(RUNX1):c.520A>C; p.Thr174Pro; c.439A>C, p.Thr147Pro (NM_001001890.3, NM_001122607.2); short protein forms T147P, T174P.
Identifiers: ClinVar variation 3365708 (VCV003365708.2).

ClinVar aggregate classification (germline): Uncertain significance. Review status: reviewed by expert panel (3 of 4 stars). 2 submissions from 2 submitters: Uncertain significance (1). 1 of the submissions does not count toward it. Last evaluated 2025-02-25.

Conditions:
Hereditary thrombocytopenia and hematologic cancer predisposition syndrome. Identifiers: Orphanet 71290, MedGen CN281654, MONDO:0011071.

Submissions (2):

ClinGen Myeloid Malignancy Variant Curation Expert Panel
Classification: Uncertain significance for Hereditary thrombocytopenia and hematologic cancer predisposition syndrome. Last evaluated: 2025-02-25. Review status: reviewed by expert panel. Criteria: ClinGen MyeloMalig ACMG Specifications v2. Collection method: curation. Allele origin: germline. Inheritance: Autosomal dominant inheritance.
Comment: NM_001754.5(RUNX1):c.520A>C (p.Thr174Pro) is a missense variant. This variant is absent from the population database gnomAD v3 (PM2_supporting). Multiple other predictors (Provean, SIFT) predict a deleterious impact (PP3). This variant affects one of the residues (AA 89-204) within the RHD (PM1_Supporting). The variant has been reported in two siblings with thrombocytopenia in childhood with family history of AML in multiple affected family members (PS4_supporting). In summary, this variant meets criteria to be classified as variant of uncertain significant. ACMG/AMP criteria applied, as specified by the Myeloid Malignancy Variant Curation Expert Panel for RUNX1: PM2_supporting, PM1_supporting, PP3 and PS4_supporting.

GeneDx
Classification: Uncertain significance. Last evaluated: 2023-12-20. Review status: criteria provided, single submitter. Criteria: GeneDx Variant Classification Process June 2021. Collection method: clinical testing. Allele origin: germline. Affected: yes. Not counted in ClinVar's aggregate classification.
Comment: Not observed at significant frequency in large population cohorts (gnomAD); In silico analysis supports that this missense variant has a deleterious effect on protein structure/function; Observed in two siblings with mild to moderate thrombocytopenia and family history of thrombocytopenia and leukemia (PMID: 35796010); This variant is associated with the following publications: (PMID: 35796010)